The following is an entry in ClinVar:

ClinVar aggregate classification (germline): Uncertain significance (1 of 4 stars; one submission).

Conditions:
Arrhythmogenic right ventricular dysplasia 11. Also called: Arrhythmogenic right ventricular dysplasia 11 with mild palmoplantar keratoderma and woolly hair; Arrhythmogenic Right Ventricular Dysplasia/Cardiomyopathy11; ARRHYTHMOGENIC RIGHT VENTRICULAR DYSPLASIA, FAMILIAL, 11. Identifiers: MedGen C1864850, MONDO:0012506, OMIM 610476.

gnomAD v4.1: 1 of 1,613,486 alleles (0.000062%); highest among the groups gnomAD compares: African/African-American, 0.0013%; no homozygotes.

Submission:

Labcorp Genetics (formerly Invitae), Labcorp
Classification: Uncertain significance for Arrhythmogenic right ventricular dysplasia 11. Last evaluated: 2025-04-01. Review status: criteria provided, single submitter. Criteria: Invitae Variant Classification Sherloc (09022015). Collection method: clinical testing. Allele origin: germline.
Comment: This sequence change replaces glutamic acid, which is acidic and polar, with aspartic acid, which is acidic and polar, at codon 56 of the DSC2 protein (p.Glu56Asp). This variant is not present in population databases (gnomAD no frequency). This variant has not been reported in the literature in individuals affected with DSC2-related conditions. ClinVar contains an entry for this variant (Variation ID: 536276). Invitae Evidence Modeling of protein sequence and biophysical properties (such as structural, functional, and spatial information, amino acid conservation, physicochemical variation, residue mobility, and thermodynamic stability) indicates that this missense variant is not expected to disrupt DSC2 protein function with a negative predictive value of 80%. In summary, the available evidence is currently insufficient to determine the role of this variant in disease. Therefore, it has been classified as a Variant of Uncertain Significance.

NM_024422.6(DSC2):c.168G>C (p.Glu56Asp)

Gene: DSC2 (desmocollin 2; minus strand). Cytogenetic location: 18q12.1.
Variant type: single nucleotide variant.
Coding change: c.168G>C on transcript NM_024422.6 (MANE Select); coding-DNA position 168, G replaced by C.
Protein change: p.Glu56Asp; replaces glutamic acid 56 with aspartic acid.
Molecular consequence: missense variant.
Genome position (GRCh38, 1-based): chr18:31,092,287, C>G on the plus strand (G>C on the coding strand, the complement: DSC2 is on the minus strand). VCF-style: chr18-31092287-C-G. GRCh37 (hg19) VCF-style: chr18-28672250-C-G.
Other names: c.168G>C, p.Glu56Asp (NM_004949.5); short protein forms E56D.
Identifiers: ClinVar variation 536276 (VCV000536276.10), dbSNP rs1555640202, ClinGen allele CA402114967.